The following is an entry in ClinVar:

NM_000642.3(AGL):c.3840T>G (p.Asp1280Glu)

Gene: AGL (amylo-alpha-1,6-glucosidase and 4-alpha-glucanotransferase; plus strand). Cytogenetic location: 1p21.2.
Variant type: single nucleotide variant.
Coding change: c.3840T>G on transcript NM_000642.3 (MANE Select); coding-DNA position 3840, T replaced by G.
Protein change: p.Asp1280Glu; replaces aspartic acid 1280 with glutamic acid.
Molecular consequence: missense variant.
Genome position (GRCh38, 1-based): chr1:99,912,408, T>G. VCF-style: chr1-99912408-T-G. GRCh37 (hg19) VCF-style: chr1-100377964-T-G.
Other names: c.3639T>G, p.Asp1213Glu (NM_001425327.1); c.3636T>G, p.Asp1212Glu (NM_001425328.1); c.3501T>G, p.Asp1167Glu (NM_001425329.1); c.3462T>G, p.Asp1154Glu (NM_001425332.1); c.3840T>G, p.Asp1280Glu (NM_000028.3, NM_000643.3, NM_000644.3 and 1 more transcripts); c.3792T>G, p.Asp1264Glu (NM_000646.3); c.3819T>G, p.Asp1273Glu (NM_001425326.1); short protein forms D1264E, D1280E, D1154E, D1167E, D1212E, D1213E, D1273E.
Identifiers: ClinVar variation 639354 (VCV000639354.8), dbSNP rs778956378, ClinGen allele CA967250.

ClinVar aggregate classification (germline): Uncertain significance. Review status: criteria provided, multiple submitters, no conflicts (2 of 4 stars). 2 submissions from 2 submitters: Uncertain significance (2). Last evaluated 2024-09-11.

Conditions:
Inborn genetic diseases. Identifiers: MedGen C0950123, MeSH D030342.
Glycogen storage disease type III (GSD3). Also called: Cori disease; FORBES DISEASE. Identifiers: Orphanet 366, MedGen C0017922, MONDO:0009291, OMIM 232400.

Allele frequency attached by ClinVar (database versions not stated): gnomAD exomes below 0.00001 and 0.00001; TOPMed below 0.00001; gnomAD 0.00001; ExAC 0.00002.
gnomAD v4.1: 3 of 1,613,442 alleles (0.00019%); highest among the groups gnomAD compares: South Asian, 0.0011%; no homozygotes.

Submissions (2):

Ambry Genetics
Classification: Uncertain significance for Inborn genetic diseases. Last evaluated: 2024-09-11. Review status: criteria provided, single submitter. Criteria: Ambry Variant Classification Scheme 2023. Collection method: clinical testing. Allele origin: germline.

Labcorp Genetics (formerly Invitae), Labcorp
Classification: Uncertain significance for Glycogen storage disease type III. Last evaluated: 2024-06-23. Review status: criteria provided, single submitter. Criteria: Invitae Variant Classification Sherloc (09022015). Collection method: clinical testing. Allele origin: germline.
Comment: This sequence change replaces aspartic acid, which is acidic and polar, with glutamic acid, which is acidic and polar, at codon 1280 of the AGL protein (p.Asp1280Glu). This variant is present in population databases (rs778956378, gnomAD 0.002%). This variant has not been reported in the literature in individuals affected with AGL-related conditions. ClinVar contains an entry for this variant (Variation ID: 639354). Advanced modeling of protein sequence and biophysical properties (such as structural, functional, and spatial information, amino acid conservation, physicochemical variation, residue mobility, and thermodynamic stability) has been performed at Invitae for this missense variant, however the output from this modeling did not meet the statistical confidence thresholds required to predict the impact of this variant on AGL protein function. In summary, the available evidence is currently insufficient to determine the role of this variant in disease. Therefore, it has been classified as a Variant of Uncertain Significance.